The following is an entry in ClinVar:

ClinVar aggregate classification (germline): Uncertain significance. Review status: criteria provided, multiple submitters, no conflicts (2 of 4 stars). 2 submissions from 2 submitters: Uncertain significance (2). Last evaluated 2025-09-27.

Conditions:
Hereditary cancer-predisposing syndrome. Also called: Neoplastic Syndromes, Hereditary; Hereditary Cancer Syndrome; Hereditary neoplastic syndrome; Tumor predisposition. Identifiers: Orphanet 140162, MedGen C0027672, MeSH D009386, MONDO:0015356.

Submissions (2):

Labcorp Genetics (formerly Invitae), Labcorp
Classification: Uncertain significance. Last evaluated: 2025-09-27. Review status: criteria provided, single submitter. Criteria: Invitae Variant Classification Sherloc (09022015). Collection method: clinical testing. Allele origin: germline.
Comment: This sequence change replaces histidine, which is basic and polar, with leucine, which is neutral and non-polar, at codon 1029 of the MSH3 protein (p.His1029Leu). This variant is not present in population databases (gnomAD no frequency). This variant has not been reported in the literature in individuals affected with MSH3-related conditions. ClinVar contains an entry for this variant (Variation ID: 2565645). An algorithm developed to predict the effect of missense changes on protein structure and function (PolyPhen-2) suggests that this variant is likely to be disruptive. In summary, the available evidence is currently insufficient to determine the role of this variant in disease. Therefore, it has been classified as a Variant of Uncertain Significance.

Ambry Genetics
Classification: Uncertain significance for Hereditary cancer-predisposing syndrome. Last evaluated: 2023-04-01. Review status: criteria provided, single submitter. Criteria: Ambry Variant Classification Scheme 2023. Collection method: clinical testing. Allele origin: germline.
Comment: The p.H1029L variant (also known as c.3086A>T), located in coding exon 22 of the MSH3 gene, results from an A to T substitution at nucleotide position 3086. The histidine at codon 1029 is replaced by leucine, an amino acid with similar properties. This amino acid position is conserved. In addition, this alteration is predicted to be deleterious by in silico analysis. Since supporting evidence is limited at this time, the clinical significance of this alteration remains unclear.

NM_002439.5(MSH3):c.3086A>T (p.His1029Leu)

Gene: MSH3 (mutS homolog 3; plus strand). Cytogenetic location: 5q14.1.
Variant type: single nucleotide variant.
Coding change: c.3086A>T on transcript NM_002439.5 (MANE Select); coding-DNA position 3086, A replaced by T.
Protein change: p.His1029Leu; replaces histidine 1029 with leucine.
Molecular consequence: missense variant.
Genome position (GRCh38, 1-based): chr5:80,864,898, A>T. VCF-style: chr5-80864898-A-T. GRCh37 (hg19) VCF-style: chr5-80160717-A-T.
Other names: short protein forms H1029L.
Identifiers: ClinVar variation 2565645 (VCV002565645.3), dbSNP rs2478789271, ClinGen allele CA360346365.